The following is an entry in ClinVar:

ClinVar aggregate classification (germline): Uncertain significance. Review status: criteria provided, multiple submitters, no conflicts (2 of 4 stars). 2 submissions from 2 submitters: Uncertain significance (2). Last evaluated 2024-12-02.

Conditions:
Juvenile polyposis syndrome (JPS). Identifiers: Orphanet 2929, MedGen C0345893, MONDO:0017380, OMIM 174900.
Hereditary cancer-predisposing syndrome. Also called: Hereditary Cancer Syndrome; Neoplastic Syndromes, Hereditary; Tumor predisposition; Hereditary neoplastic syndrome. Identifiers: Orphanet 140162, MedGen C0027672, MeSH D009386, MONDO:0015356.

Allele frequency attached by ClinVar (database versions not stated): gnomAD exomes below 0.00001.
gnomAD v4.1: 3 of 1,613,284 alleles (0.00019%); highest among the groups gnomAD compares: Non-Finnish European, 0.00025%; no homozygotes.

Submissions (2):

Ambry Genetics
Classification: Uncertain significance for Hereditary cancer-predisposing syndrome. Last evaluated: 2024-12-02. Review status: criteria provided, single submitter. Criteria: Ambry Variant Classification Scheme 2023. Collection method: clinical testing. Allele origin: germline.
Comment: The p.H178Q variant (also known as c.534T>G), located in coding exon 6 of the BMPR1A gene, results from a T to G substitution at nucleotide position 534. The histidine at codon 178 is replaced by glutamine, an amino acid with highly similar properties. This amino acid position is well conserved in available vertebrate species. In addition, this alteration is predicted to be tolerated by in silico analysis. Based on the available evidence, the clinical significance of this variant remains unclear.

Labcorp Genetics (formerly Invitae), Labcorp
Classification: Uncertain significance for Juvenile polyposis syndrome. Last evaluated: 2021-10-20. Review status: criteria provided, single submitter. Criteria: Invitae Variant Classification Sherloc (09022015). Collection method: clinical testing. Allele origin: germline.
Comment: This sequence change replaces histidine with glutamine at codon 178 of the BMPR1A protein (p.His178Gln). The histidine residue is moderately conserved and there is a small physicochemical difference between histidine and glutamine. This variant is not present in population databases (ExAC no frequency). This variant has not been reported in the literature in individuals affected with BMPR1A-related conditions. Advanced modeling of protein sequence and biophysical properties (such as structural, functional, and spatial information, amino acid conservation, physicochemical variation, residue mobility, and thermodynamic stability) performed at Invitae indicates that this missense variant is not expected to disrupt BMPR1A protein function. In summary, the available evidence is currently insufficient to determine the role of this variant in disease. Therefore, it has been classified as a Variant of Uncertain Significance.

NM_004329.3(BMPR1A):c.534T>G (p.His178Gln)

Gene: BMPR1A (bone morphogenetic protein receptor type 1A; plus strand). Cytogenetic location: 10q23.2.
Variant type: single nucleotide variant.
Coding change: c.534T>G on transcript NM_004329.3 (MANE Select); coding-DNA position 534, T replaced by G.
Protein change: p.His178Gln; replaces histidine 178 with glutamine.
Molecular consequence: missense variant.
Genome position (GRCh38, 1-based): chr10:86,912,243, T>G. VCF-style: chr10-86912243-T-G. GRCh37 (hg19) VCF-style: chr10-88672000-T-G.
Other names: c.534T>G (NM_004329.2); short protein forms H178Q.
Identifiers: ClinVar variation 1345727 (VCV001345727.7), dbSNP rs2133543547, ClinGen allele CA377454032.